The following is an entry in ClinVar:

NC_000001.10:g.(?_42922237)_(43424429_?)dup

Genes: C1orf50 (chromosome 1 open reading frame 50; plus strand), CCDC30 (coiled-coil domain containing 30; plus strand), CLDN19 (claudin 19; minus strand), ERMAP (erythroblast membrane associated protein (Scianna blood group); plus strand), P3H1 (prolyl 3-hydroxylase 1; minus strand) and 6 more. Cytogenetic location: 1p34.2.
Variant type: Duplication.
Identifiers: ClinVar variation 3247800 (VCV003247800.1).

ClinVar aggregate classification (germline): Uncertain significance (1 of 4 stars; one submission).

Conditions:
GLUT1 deficiency syndrome 1, autosomal recessive. Identifiers: MedGen C3149117.

Submission:

Labcorp Genetics (formerly Invitae), Labcorp
Classification: Uncertain significance for GLUT1 deficiency syndrome 1, autosomal recessive. Last evaluated: 2023-01-31. Review status: criteria provided, single submitter. Criteria: Invitae Variant Classification Sherloc (09022015). Collection method: clinical testing. Allele origin: unknown.
Comment: In summary, the available evidence is currently insufficient to determine the role of this variant in disease. Therefore, it has been classified as a Variant of Uncertain Significance. Experimental studies and prediction algorithms are not available or were not evaluated, and the functional significance of this variant is currently unknown. This variant has not been reported in the literature in individuals affected with SLC2A1-related conditions. A copy number gain of the genomic region encompassing the full coding sequence of the SLC2A1 gene has been identified. The boundaries of this event are unknown as they extend beyond the assayed region for this gene and therefore may encompass additional genes. As the precise location of this event is unknown, it may be in tandem or it may be located elsewhere in the genome.